The following is an entry in ClinVar:

ClinVar aggregate classification (germline): Uncertain significance (1 of 4 stars; one submission).

Conditions:
Hereditary cancer-predisposing syndrome. Also called: Tumor predisposition; Hereditary Cancer Syndrome; Neoplastic Syndromes, Hereditary; Hereditary neoplastic syndrome. Identifiers: Orphanet 140162, MedGen C0027672, MeSH D009386, MONDO:0015356.

Submission:

Color Diagnostics, LLC DBA Color Health
Classification: Uncertain significance for Hereditary cancer-predisposing syndrome. Last evaluated: 2025-08-26. Review status: criteria provided, single submitter. Criteria: ACMG Guidelines, 2015. Collection method: clinical testing. Allele origin: germline.
Comment: This missense variant replaces threonine with alanine at codon 176 of the BRCA1 protein. Computational prediction suggests that this variant may not impact protein structure and function. To our knowledge, functional studies have not been reported for this variant. This variant has been detected in a breast cancer case-control meta-analysis in 1/60466 cases and 0/53461 unaffected individuals (PMID: 33471991Leiden Open Variation Database DB-ID BRCA1_006565). This variant has not been identified in the general population by the Genome Aggregation Database (gnomAD). The available evidence is insufficient to determine the role of this variant in disease conclusively. Therefore, this variant is classified as a Variant of Uncertain Significance.

Literature cited by the submitters: PubMed 33471991.

NM_007294.4(BRCA1):c.526A>G (p.Thr176Ala)

Gene: BRCA1 (BRCA1 DNA repair associated; minus strand). Cytogenetic location: 17q21.31.
Variant type: single nucleotide variant.
Coding change: c.526A>G on transcript NM_007294.4 (MANE Select); coding-DNA position 526, A replaced by G.
Protein change: p.Thr176Ala; replaces threonine 176 with alanine.
Molecular consequence: missense variant. On other transcripts: intron variant (2).
Genome position (GRCh38, 1-based): chr17:43,099,796, T>C on the plus strand (A>G on the coding strand, the complement: BRCA1 is on the minus strand). VCF-style: chr17-43099796-T-C. GRCh37 (hg19) VCF-style: chr17-41251813-T-C.
Other names: c.385A>G, p.Thr129Ala (NM_001408469.1, NM_001407692.1, NM_001407694.1 and 61 more transcripts); c.382A>G, p.Thr128Ala (NM_001408470.1, NM_001407740.1, NM_001407741.1 and 35 more transcripts); c.526A>G, p.Thr176Ala (NM_001408472.1, NM_001407581.1, NM_001407582.1 and 96 more transcripts); c.523A>G, p.Thr175Ala (NM_001408473.1, NM_001407587.1, NM_001407590.1 and 65 more transcripts); c.448A>G, p.Thr150Ala (NM_001408474.1, NM_001408476.1, NM_001407653.1 and 12 more transcripts); c.445A>G, p.Thr149Ala (NM_001408475.1, NM_001407659.1, NM_001407660.1 and 6 more transcripts); c.316A>G, p.Thr106Ala (NM_001408478.1, NM_001408479.1, NM_001408480.1 and 37 more transcripts); c.313A>G, p.Thr105Ala (NM_001408490.1, NM_001408491.1, NM_001407571.1 and 18 more transcripts); and 5 more; short protein forms T105A, T106A, T128A, T129A, T131A, T149A, T150A, T173A.
Identifiers: ClinVar variation 4757887 (VCV004757887.1).